The following is an entry in ClinVar:

NM_007294.4(BRCA1):c.5572A>C (p.Ile1858Leu)

Gene: BRCA1 (BRCA1 DNA repair associated; minus strand). Cytogenetic location: 17q21.31.
Variant type: single nucleotide variant.
Coding change: c.5572A>C on transcript NM_007294.4 (MANE Select); coding-DNA position 5572, A replaced by C.
Protein change: p.Ile1858Leu; replaces isoleucine 1858 with leucine.
Molecular consequence: missense variant. On other transcripts: 3 prime UTR variant (1), non-coding transcript variant (1).
Genome position (GRCh38, 1-based): chr17:43,045,698, T>G on the plus strand (A>C on the coding strand, the complement: BRCA1 is on the minus strand). VCF-style: chr17-43045698-T-G. GRCh37 (hg19) VCF-style: chr17-41197715-T-G.
Other names: 5691A>C; c.2137A>C, p.Ile713Leu (NM_001408440.1, NM_001408441.1, NM_001408442.1 and 10 more transcripts); c.2122A>C, p.Ile708Leu (NM_001408454.1, NM_001408455.1, NM_001408456.1 and 3 more transcripts); c.2119A>C, p.Ile707Leu (NM_001408458.1, NM_001408459.1, NM_001408460.1 and 7 more transcripts); c.2116A>C, p.Ile706Leu (NM_001408468.1, NM_001408469.1, NM_001408470.1); c.*86A>C (NM_001408472.1, NM_001408473.1, NM_007299.4 and 14 more transcripts); c.2062A>C, p.Ile688Leu (NM_001408474.1); c.2059A>C, p.Ile687Leu (NM_001408475.1, NM_001408476.1); and 75 more; short protein forms I1858L, I1879L, I1811L, I754L, I1561L, I1562L, I1730L, I1745L.
Identifiers: ClinVar variation 183951 (VCV000183951.28), dbSNP rs765656957, ClinGen allele CA003726.

ClinVar aggregate classification (germline): Benign. Review status: reviewed by expert panel (3 of 4 stars). 12 submissions from 12 submitters: Benign (1). 11 of the submissions do not count toward it. Last evaluated 2015-08-10.

Conditions:
BRCA1-related disorder. Also called: BRCA1-related condition.
Hereditary cancer-predisposing syndrome. Also called: Hereditary Cancer Syndrome; Hereditary neoplastic syndrome; Tumor predisposition; Neoplastic Syndromes, Hereditary. Identifiers: Orphanet 140162, MedGen C0027672, MeSH D009386, MONDO:0015356.
Hereditary breast ovarian cancer syndrome. Also called: Hereditary breast and ovarian cancer syndrome; Hereditary breast and ovarian cancer syndrome (HBOC); BRCA1- and BRCA2-Associated Hereditary Breast and Ovarian Cancer; Breast and ovarian cancer; Hereditary breast and ovarian cancer; Hereditary breast and/or ovarian cancer syndrome. Identifiers: Orphanet 145, MedGen C0677776, MeSH D061325, MONDO:0003582. Disease mechanism: loss of function.
Breast-ovarian cancer, familial, susceptibility to, 1 (BROVCA1). Also called: OVARIAN CANCER, SUSCEPTIBILITY TO; BRCA1 Hereditary Breast and Ovarian Cancer. Identifiers: Orphanet 145, MedGen C2676676, MONDO:0011450, OMIM 604370. Disease mechanism: loss of function.
NICE approved PARP inhibitor treatment.
BRCA1-related cancer predisposition. Identifiers: MedGen CN377757, MONDO:0700268.

Allele frequency attached by ClinVar (database versions not stated): gnomAD below 0.00001 and 0.00002; gnomAD exomes 0.00004 and 0.00006; ExAC 0.00006; 1000 Genomes Project 30x 0.00016.
gnomAD v4.1: 57 of 1,613,698 alleles (0.0035%); highest among the groups gnomAD compares: South Asian, 0.06%; 1 homozygote.

Submissions (12):

Evidence-based Network for the Interpretation of Germline Mutant Alleles (ENIGMA)
Classification: Benign for Breast-ovarian cancer, familial 1. Last evaluated: 2015-08-10. Review status: reviewed by expert panel. Criteria: ENIGMA BRCA1/2 Classification Criteria (2015). Collection method: curation. Allele origin: germline.
Comment: IARC class based on posterior probability from multifactorial likelihood analysis, thresholds for class as per Plon et al. 2008 (PMID: 18951446). Class 1 based on posterior probability = 0.0000697

PreventionGenetics, part of Exact Sciences
Classification: Benign for BRCA1-related condition. Last evaluated: 2026-01-12. Review status: criteria provided, single submitter. Criteria: ACMG Guidelines, 2015. Collection method: clinical testing. Allele origin: germline. Not counted in ClinVar's aggregate classification.
Comment: This variant is classified as benign based on ACMG/AMP sequence variant interpretation guidelines (Richards et al. 2015 PMID: 25741868, with internal and published modifications).

Labcorp Genetics (formerly Invitae), Labcorp
Classification: Benign for Hereditary breast ovarian cancer syndrome. Last evaluated: 2026-01-06. Review status: criteria provided, single submitter. Criteria: Invitae Variant Classification Sherloc (09022015). Collection method: clinical testing. Allele origin: germline. Not counted in ClinVar's aggregate classification.

All of Us Research Program, National Institutes of Health
Classification: Likely benign for BRCA1-related cancer predisposition. Last evaluated: 2024-05-14. Review status: criteria provided, single submitter. Criteria: ACMG Guidelines, 2015. Collection method: clinical testing. Allele origin: germline. Inheritance: Autosomal dominant inheritance. Observed: 6 variant alleles, 5 heterozygotes, 1 homozygote. Not counted in ClinVar's aggregate classification.
Comment: This study involves interpretation of variants in research participants for the purpose of population health screening. Participant phenotype was not available at the time of variant classification. Additional details can be found in publication PMID: 35346344, PMCID: PMC8962531

Genomics and Molecular Medicine Service, East Genomic Laboratory Hub, NHS Genomic Medicine Service
Classification: Benign for NICE approved PARP inhibitor treatment. Last evaluated: 2024-05-09. Review status: criteria provided, single submitter. Criteria: ACGS Best Practice Guidelines for Variant Classification in Rare Disease 2020. Collection method: clinical testing. Allele origin: germline. Affected: yes. Not counted in ClinVar's aggregate classification.
Comment: BS1_Strong,BP1,BP5_Very Strong

Women's Health and Genetics/Laboratory Corporation of America, LabCorp
Classification: Benign. Last evaluated: 2022-07-11. Review status: criteria provided, single submitter. Criteria: LabCorp Variant Classification Summary - May 2015. Collection method: clinical testing. Allele origin: germline. Not counted in ClinVar's aggregate classification.
Comment: Variant summary: BRCA1 c.5572A>C (p.Ile1858Leu) results in a conservative amino acid change in the encoded protein sequence. Four of five in-silico tools predict a benign effect of the variant on protein function. The variant allele was found at a frequency of 6.4e-05 in 250816 control chromosomes. This frequency is not significantly higher than expected for a pathogenic variant in BRCA1 causing Hereditary Breast And Ovarian Cancer Syndrome (6.4e-05 vs 0.001), allowing no conclusion about variant significance. At least two publications report experimental evidence evaluating an impact on protein function. These results showed no damaging effect of this variant (Woods_2016, Thouvenot_2016). Seven other clinical diagnostic laboratories have submitted clinical-significance assessments for this variant to ClinVar after 2014 without evidence for independent evaluation. All laboratories classified the variant as benign (n=4)/likely benign (n=3). Based on the evidence outlined above, the variant was classified as benign.

Sema4
Classification: Likely benign for Hereditary cancer-predisposing syndrome. Last evaluated: 2021-06-02. Review status: criteria provided, single submitter. Criteria: Sema4 Curation Guidelines. Collection method: curation. Allele origin: germline. Not counted in ClinVar's aggregate classification.

Quest Diagnostics Nichols Institute San Juan Capistrano
Classification: Benign. Last evaluated: 2019-11-22. Review status: criteria provided, single submitter. Criteria: Quest Diagnostics criteria. Collection method: clinical testing. Allele origin: unknown. Not counted in ClinVar's aggregate classification.

GeneDx
Classification: Likely benign. Last evaluated: 2018-01-31. Review status: criteria provided, single submitter. Criteria: GeneDx Variant Classification (06012015). Collection method: clinical testing. Allele origin: germline. Affected: yes. Not counted in ClinVar's aggregate classification.
Comment: This variant is considered likely benign or benign based on one or more of the following criteria: it is a conservative change, it occurs at a poorly conserved position in the protein, it is predicted to be benign by multiple in silico algorithms, and/or has population frequency not consistent with disease.

Color Diagnostics, LLC DBA Color Health
Classification: Likely benign for Hereditary cancer-predisposing syndrome. Last evaluated: 2017-09-22. Review status: criteria provided, single submitter. Criteria: ACMG Guidelines, 2015. Collection method: clinical testing. Allele origin: germline. Not counted in ClinVar's aggregate classification.

Ambry Genetics
Classification: Benign for Hereditary cancer-predisposing syndrome. Last evaluated: 2014-11-18. Review status: criteria provided, single submitter. Criteria: Ambry Variant Classification Scheme 2023. Collection method: clinical testing. Allele origin: germline. Not counted in ClinVar's aggregate classification.

Counsyl
Classification: Benign for Breast-ovarian cancer, familial, susceptibility to, 1. Last evaluated: 2015-12-08. Review status: no assertion criteria provided. Collection method: clinical testing. Allele origin: unknown. Not counted in ClinVar's aggregate classification.

Literature cited by the submitters: PubMed 21990134 (cited by 4 submitters); PubMed 17924331 (cited by 3 submitters); PubMed 22753008 (cited by Women's Health and Genetics/Laboratory Corporation of America, LabCorp and Quest Diagnostics Nichols Institute San Juan Capistrano); PubMed 22752604 (cited by 3 submitters); PubMed 27272900 (cited by Women's Health and Genetics/Laboratory Corporation of America, LabCorp and Quest Diagnostics Nichols Institute San Juan Capistrano); PubMed 28781887 (cited by Women's Health and Genetics/Laboratory Corporation of America, LabCorp); PubMed 25348012 (cited by Quest Diagnostics Nichols Institute San Juan Capistrano and Counsyl).